The following is an entry in ClinVar:

ClinVar aggregate classification (germline): Uncertain significance (1 of 4 stars; one submission).

Conditions:
Early-infantile DEE. Also called: Early infantile epileptic encephalopathy; Ohtahara syndrome; Early infantile epileptic encephalopathy with suppression bursts. Identifiers: Orphanet 1934, MedGen C0393706, MONDO:0800491.

Submission:

Labcorp Genetics (formerly Invitae), Labcorp
Classification: Uncertain significance for Early-infantile DEE. Last evaluated: 2022-06-27. Review status: criteria provided, single submitter. Criteria: Invitae Variant Classification Sherloc (09022015). Collection method: clinical testing. Allele origin: germline.
Comment: This variant has not been reported in the literature in individuals affected with KCNQ2-related conditions. ClinVar contains an entry for this variant (Variation ID: 660856). Advanced modeling of protein sequence and biophysical properties (such as structural, functional, and spatial information, amino acid conservation, physicochemical variation, residue mobility, and thermodynamic stability) performed at Invitae indicates that this missense variant is expected to disrupt KCNQ2 protein function. This sequence change replaces serine, which is neutral and polar, with asparagine, which is neutral and polar, at codon 558 of the KCNQ2 protein (p.Ser558Asn). This variant is not present in population databases (gnomAD no frequency). In summary, the available evidence is currently insufficient to determine the role of this variant in disease. Therefore, it has been classified as a Variant of Uncertain Significance.

NM_172107.4(KCNQ2):c.1673G>A (p.Ser558Asn)

Gene: KCNQ2 (potassium voltage-gated channel subfamily Q member 2; minus strand). Cytogenetic location: 20q13.33.
Variant type: single nucleotide variant.
Coding change: c.1673G>A on transcript NM_172107.4 (MANE Select); coding-DNA position 1673, G replaced by A.
Protein change: p.Ser558Asn; replaces serine 558 with asparagine.
Molecular consequence: missense variant.
Genome position (GRCh38, 1-based): chr20:63,413,540, C>T on the plus strand (G>A on the coding strand, the complement: KCNQ2 is on the minus strand). VCF-style: chr20-63413540-C-T. GRCh37 (hg19) VCF-style: chr20-62044893-C-T.
Other names: c.1589G>A, p.Ser530Asn (NM_004518.6); c.1619G>A, p.Ser540Asn (NM_172106.3); c.1580G>A, p.Ser527Asn (NM_172108.5); short protein forms S530N, S540N, S527N, S558N.
Identifiers: ClinVar variation 660856 (VCV000660856.9), dbSNP rs1601566660, ClinGen allele CA409643860.